The following is an entry in ClinVar:

NM_024675.4(PALB2):c.1796_1805del (p.Ser599fs)

Gene: PALB2 (partner and localizer of BRCA2; minus strand). Cytogenetic location: 16p12.2.
Variant type: Deletion.
Coding change: c.1796_1805del on transcript NM_024675.4 (MANE Select); coding-DNA positions 1796 to 1805, 10 bases deleted (GTTTAAAGCA; older notation c.1796_1805delGTTTAAAGCA).
Protein change: p.Ser599fs; shifts the reading frame from serine 599.
Molecular consequence: frameshift variant. On other transcripts: intron variant (1).
Genome position (GRCh38, 1-based): chr16:23,630,349-23,630,358, TGCTTTAAAC deleted on the plus strand (GTTTAAAGCA on the coding strand, the reverse complement: PALB2 is on the minus strand); deleting any 10 consecutive bases within chr16:23,630,349-23,630,359 gives the same sequence; the c. name uses the placement nearest the transcript's 3' end. VCF-style (leftmost placement, unchanged base first): chr16-23630348-TTGCTTTAAAC-T. GRCh37 (hg19) VCF-style: chr16-23641669-TTGCTTTAAAC-T.
Other names: c.1736_1745del, p.Ser579fs (NM_001407296.1); c.1796_1805del, p.Ser599fs (NM_001407297.1, NM_001407298.1, NM_001407299.1 and 3 more transcripts); c.911_920del, p.Ser304fs (NM_001407304.1, NM_001407305.1, NM_001407306.1 and 5 more transcripts); c.8_17del, p.Ser3fs (NM_001407312.1, NM_001407313.1); c.49-1083_49-1074del (NM_001407314.1); short protein forms S304fs, S3fs, S579fs, S599fs.
Identifiers: ClinVar variation 2674168 (VCV002674168.1), dbSNP rs2506435881, ClinGen allele CA2695197526.

ClinVar aggregate classification (germline): Pathogenic (1 of 4 stars; one submission).

Conditions:
Familial cancer of breast. Also called: Hereditary breast cancer; BREAST CANCER, FAMILIAL; hereditary breast carcinoma. Identifiers: Orphanet 227535, MedGen C0346153, MONDO:0016419, OMIM 114480. Disease mechanism: loss of function.

Submission:

Myriad Genetics, Inc.
Classification: Pathogenic for Familial cancer of breast. Last evaluated: 2023-09-11. Review status: criteria provided, single submitter. Criteria: Myriad Autosomal Dominant, Autosomal Recessive and X-Linked Classification Criteria (2023). Collection method: clinical testing. Allele origin: unknown.
Comment: This variant is considered pathogenic. This variant creates a frameshift predicted to result in premature protein truncation.